The following is an entry in ClinVar:

NM_000489.6(ATRX):c.7367T>G (p.Met2456Arg)

Gene: ATRX (ATRX chromatin remodeler; minus strand). Cytogenetic location: Xq21.1.
Variant type: single nucleotide variant.
Coding change: c.7367T>G on transcript NM_000489.6 (MANE Select); coding-DNA position 7367, T replaced by G.
Protein change: p.Met2456Arg; replaces methionine 2456 with arginine.
Molecular consequence: missense variant.
Genome position (GRCh38, 1-based): chrX:77,508,463, A>C on the plus strand (T>G on the coding strand, the complement: ATRX is on the minus strand). VCF-style: chrX-77508463-A-C. GRCh37 (hg19) VCF-style: chrX-76763941-A-C.
Other names: c.7253T>G, p.Met2418Arg (NM_138270.5); short protein forms M2456R, M2418R.
Identifiers: ClinVar variation 2092867 (VCV002092867.1), dbSNP rs2147648215, ClinGen allele CA413704098.

ClinVar aggregate classification (germline): Uncertain significance (1 of 4 stars; one submission).

Conditions:
Alpha thalassemia-X-linked intellectual disability syndrome (ATRX). Also called: ALPHA-THALASSEMIA/MENTAL RETARDATION SYNDROME, X-LINKED; ATR, NONDELETION TYPE; ATR-X syndrome; Alpha thalassemia mental retardation syndrome, nondeletion type, X-linked; XLMR hypotonic face syndrome; X-linked alpha-thalassemia-mental retardation syndrome. Identifiers: Orphanet 847, MedGen C1845055, MONDO:0010519, OMIM 301040.

Submission:

Labcorp Genetics (formerly Invitae), Labcorp
Classification: Uncertain significance for Alpha thalassemia-X-linked intellectual disability syndrome. Last evaluated: 2022-05-12. Review status: criteria provided, single submitter. Criteria: Invitae Variant Classification Sherloc (09022015). Collection method: clinical testing. Allele origin: germline.
Comment: This sequence change replaces methionine, which is neutral and non-polar, with arginine, which is basic and polar, at codon 2456 of the ATRX protein (p.Met2456Arg). This variant is not present in population databases (gnomAD no frequency). This variant has not been reported in the literature in individuals affected with ATRX-related conditions. Algorithms developed to predict the effect of missense changes on protein structure and function are either unavailable or do not agree on the potential impact of this missense change (SIFT: "Deleterious"; PolyPhen-2: "Possibly Damaging"; Align-GVGD: "Class C0"). In summary, the available evidence is currently insufficient to determine the role of this variant in disease. Therefore, it has been classified as a Variant of Uncertain Significance.